The following is an entry in ClinVar:

NM_001110556.2(FLNA):c.772A>G (p.Met258Val)

Gene: FLNA (filamin A; minus strand). Cytogenetic location: Xq28.
Variant type: single nucleotide variant.
Coding change: c.772A>G on transcript NM_001110556.2 (MANE Select); coding-DNA position 772, A replaced by G.
Protein change: p.Met258Val; replaces methionine 258 with valine.
Molecular consequence: missense variant.
Genome position (GRCh38, 1-based): chrX:154,367,493, T>C on the plus strand (A>G on the coding strand, the complement: FLNA is on the minus strand). VCF-style: chrX-154367493-T-C. GRCh37 (hg19) VCF-style: chrX-153595861-T-C.
Other names: c.772A>G, p.Met258Val (NM_001456.4); short protein forms M258V.
Identifiers: ClinVar variation 4976235 (VCV004976235.1).

ClinVar aggregate classification (germline): Uncertain significance (1 of 4 stars; one submission).

Submission:

GeneDx
Classification: Uncertain significance. Last evaluated: 2026-02-06. Review status: criteria provided, single submitter. Criteria: GeneDx Variant Classification Process June 2021. Collection method: clinical testing. Allele origin: germline.
Comment: Not observed at significant frequency in large population cohorts (gnomAD); In silico analysis supports that this missense variant has a deleterious effect on protein structure/function; Has not been previously published as pathogenic or benign to our knowledge